The following is an entry in ClinVar:

NM_002878.4(RAD51D):c.383T>C (p.Leu128Pro)

Genes: RAD51D (RAD51 paralog D; minus strand), RAD51L3-RFFL (RAD51L3-RFFL readthrough; minus strand). Cytogenetic location: 17q12.
Variant type: single nucleotide variant.
Coding change: c.383T>C on transcript NM_002878.4 (MANE Select); coding-DNA position 383, T replaced by C.
Protein change: p.Leu128Pro; replaces leucine 128 with proline.
Molecular consequence: missense variant. On other transcripts: non-coding transcript variant (1), intron variant (1).
Genome position (GRCh38, 1-based): chr17:35,107,085, A>G on the plus strand (T>C on the coding strand, the complement: RAD51D is on the minus strand). VCF-style: chr17-35107085-A-G. GRCh37 (hg19) VCF-style: chr17-33434104-A-G.
Other names: c.443T>C, p.Leu148Pro (NM_001142571.2); c.145-604T>C (NM_133629.3); short protein forms L148P, L128P.
Identifiers: ClinVar variation 2448049 (VCV002448049.2), dbSNP rs2142433508, ClinGen allele CA399089337.

ClinVar aggregate classification (germline): Uncertain significance (1 of 4 stars; one submission).

Conditions:
Hereditary cancer-predisposing syndrome. Also called: Neoplastic Syndromes, Hereditary; Hereditary Cancer Syndrome; Tumor predisposition; Hereditary neoplastic syndrome. Identifiers: Orphanet 140162, MedGen C0027672, MeSH D009386, MONDO:0015356.

Submission:

Ambry Genetics
Classification: Uncertain significance for Hereditary cancer-predisposing syndrome. Last evaluated: 2023-01-05. Review status: criteria provided, single submitter. Criteria: Ambry Variant Classification Scheme 2023. Collection method: clinical testing. Allele origin: germline.
Comment: The p.L128P variant (also known as c.383T>C), located in coding exon 5 of the RAD51D gene, results from a T to C substitution at nucleotide position 383. The leucine at codon 128 is replaced by proline, an amino acid with similar properties. This amino acid position is conserved. In addition, this alteration is predicted to be deleterious by in silico analysis. Since supporting evidence is limited at this time, the clinical significance of this alteration remains unclear.